The following is an entry in ClinVar:

NM_015506.3(MMACHC):c.763C>T (p.Pro255Ser)

Gene: MMACHC (metabolism of cobalamin associated C; plus strand). Cytogenetic location: 1p34.1.
Variant type: single nucleotide variant.
Coding change: c.763C>T on transcript NM_015506.3 (MANE Select); coding-DNA position 763, C replaced by T.
Protein change: p.Pro255Ser; replaces proline 255 with serine.
Molecular consequence: missense variant.
Genome position (GRCh38, 1-based): chr1:45,509,129, C>T. VCF-style: chr1-45509129-C-T. GRCh37 (hg19) VCF-style: chr1-45974801-C-T.
Other names: c.592C>T, p.Pro198Ser (NM_001330540.2); short protein forms P198S, P255S.
Identifiers: ClinVar variation 1405306 (VCV001405306.10), dbSNP rs533256855, ClinGen allele CA21830000.

ClinVar aggregate classification (germline): Uncertain significance. Review status: criteria provided, multiple submitters, no conflicts (2 of 4 stars). 5 submissions from 5 submitters: Uncertain significance (5). Last evaluated 2024-03-28.

Conditions:
Inborn genetic diseases. Identifiers: MedGen C0950123, MeSH D030342.
Cobalamin C disease. Also called: Methylmalonic aciduria and homocystinuria, Vitamin B12-responsive; Vitamin B12 metabolic defect with combined deficiency of methylmalonyl-CoA mutase and homocysteine:methyltetrahydrofolate methyltransferase; Cobalamin-C methylmalonic acidemia and homocystinuria; Methylmalonic acidemia and homocystinuria cblC type; Methylmalonic aciduria with homocystinuria cblC type; methylmalonic aciduria and homocystinuria type cblC. Identifiers: Orphanet 26, Orphanet 79282, MedGen C1848561, MONDO:0010184, OMIM 277400.

Allele frequency attached by ClinVar (database versions not stated): 1000 Genomes Project 0.00020.
gnomAD v4.1: 17 of 1,611,786 alleles (0.0011%); highest among the groups gnomAD compares: African/African-American, 0.021%; no homozygotes.

Submissions (5):

Fulgent Genetics
Classification: Uncertain significance for Cobalamin C disease. Last evaluated: 2024-03-28. Review status: criteria provided, single submitter. Criteria: ACMG Guidelines, 2015. Collection method: clinical testing. Allele origin: germline.

Genome-Nilou Lab
Classification: Uncertain significance for Cobalamin C disease. Last evaluated: 2023-04-11. Review status: criteria provided, single submitter. Criteria: ACMG Guidelines, 2015. Collection method: clinical testing. Allele origin: germline. Affected: no.

Labcorp Genetics (formerly Invitae), Labcorp
Classification: Uncertain significance for Cobalamin C disease. Last evaluated: 2022-08-23. Review status: criteria provided, single submitter. Criteria: Invitae Variant Classification Sherloc (09022015). Collection method: clinical testing. Allele origin: germline.
Comment: This sequence change replaces proline, which is neutral and non-polar, with serine, which is neutral and polar, at codon 255 of the MMACHC protein (p.Pro255Ser). This variant is present in population databases (rs533256855, gnomAD 0.008%). This variant has not been reported in the literature in individuals affected with MMACHC-related conditions. ClinVar contains an entry for this variant (Variation ID: 1405306). Advanced modeling of protein sequence and biophysical properties (such as structural, functional, and spatial information, amino acid conservation, physicochemical variation, residue mobility, and thermodynamic stability) performed at Invitae indicates that this missense variant is not expected to disrupt MMACHC protein function. In summary, the available evidence is currently insufficient to determine the role of this variant in disease. Therefore, it has been classified as a Variant of Uncertain Significance.

Women's Health and Genetics/Laboratory Corporation of America, LabCorp
Classification: Uncertain significance. Last evaluated: 2022-03-22. Review status: criteria provided, single submitter. Criteria: LabCorp Variant Classification Summary - May 2015. Collection method: clinical testing. Allele origin: germline.
Comment: Variant summary: MMACHC c.763C>T (p.Pro255Ser) results in a non-conservative amino acid change in the encoded protein sequence. Four of five in-silico tools predict a benign effect of the variant on protein function. The variant allele was found at a frequency of 4e-06 in 247272 control chromosomes. The available data on variant occurrences in the general population are insufficient to allow any conclusion about variant significance. To our knowledge, no occurrence of c.763C>T in individuals affected with Methylmalonic Acidemia With Homocystinuria and no experimental evidence demonstrating its impact on protein function have been reported. No clinical diagnostic laboratories have submitted clinical-significance assessments for this variant to ClinVar after 2014. Based on the evidence outlined above, the variant was classified as uncertain significance.

Ambry Genetics
Classification: Uncertain significance for Inborn genetic diseases. Last evaluated: 2022-01-04. Review status: criteria provided, single submitter. Criteria: Ambry Variant Classification Scheme 2023. Collection method: clinical testing. Allele origin: germline.